The following is an entry in ClinVar:

NM_014284.3(NCDN):c.319G>A (p.Gly107Ser)

Gene: NCDN (neurochondrin; plus strand). Cytogenetic location: 1p34.3.
Variant type: single nucleotide variant.
Coding change: c.319G>A on transcript NM_014284.3 (MANE Select); coding-DNA position 319, G replaced by A.
Protein change: p.Gly107Ser; replaces glycine 107 with serine.
Molecular consequence: missense variant.
Genome position (GRCh38, 1-based): chr1:35,560,470, G>A. VCF-style: chr1-35560470-G-A. GRCh37 (hg19) VCF-style: chr1-36026071-G-A.
Other names: c.319G>A, p.Gly107Ser (NM_001014839.2); c.268G>A, p.Gly90Ser (NM_001014841.2); short protein forms G107S, G90S.
Identifiers: ClinVar variation 3772170 (VCV003772170.13).

ClinVar aggregate classification (germline): Uncertain significance (1 of 4 stars; one submission).

Submission:

CeGaT Center for Human Genetics Tuebingen
Classification: Uncertain significance. Last evaluated: 2024-12-01. Review status: criteria provided, single submitter. Criteria: CeGaT Center For Human Genetics Tuebingen Variant Classification Criteria Version 2. Collection method: clinical testing. Allele origin: germline. Affected: yes. Observed: 1 variant allele.
Comment: NCDN: PM2